The following is an entry in ClinVar:

ClinVar aggregate classification (germline): Conflicting classifications of pathogenicity. Review status: criteria provided, conflicting classifications (1 of 4 stars). 2 submissions from 2 submitters: Likely pathogenic (1); Uncertain significance (1). Last evaluated 2025-05-29.

Conditions:
Dilated cardiomyopathy 1O (CMD1O). Also called: CARDIOMYOPATHY, DILATED, WITH VENTRICULAR TACHYCARDIA. Identifiers: Orphanet 154, MedGen C1837839, MONDO:0012062, OMIM 608569.

Allele frequency attached by ClinVar (database versions not stated): gnomAD exomes below 0.00001; TOPMed below 0.00001.
gnomAD v4.1: 2 of 1,610,280 alleles (0.00012%); highest among the groups gnomAD compares: Non-Finnish European, 0.00017%; no homozygotes.

Submissions (2):

GeneDx
Classification: Uncertain significance. Last evaluated: 2025-05-29. Review status: criteria provided, single submitter. Criteria: GeneDx Variant Classification Process June 2021. Collection method: clinical testing. Allele origin: germline. Affected: yes.
Comment: Canonical splice site variant in a gene or region of a gene for which loss of function is not a well-established mechanism of disease; Not observed at significant frequency in large population cohorts (gnomAD); Has not been previously published as pathogenic or benign to our knowledge

Labcorp Genetics (formerly Invitae), Labcorp
Classification: Likely pathogenic for Dilated cardiomyopathy 1O. Last evaluated: 2024-10-07. Review status: criteria provided, single submitter. Criteria: Invitae Variant Classification Sherloc (09022015). Collection method: clinical testing. Allele origin: germline.
Comment: This sequence change affects a donor splice site in intron 16 of the ABCC9 gene. It is expected to disrupt RNA splicing. Variants that disrupt the donor or acceptor splice site typically lead to a loss of protein function (PMID: 16199547), and loss-of-function variants in ABCC9 are known to be pathogenic (PMID: 31575858, 38217872). This variant is not present in population databases (gnomAD no frequency). This variant has not been reported in the literature in individuals affected with ABCC9-related conditions. ClinVar contains an entry for this variant (Variation ID: 640543). Algorithms developed to predict the effect of sequence changes on RNA splicing suggest that this variant may disrupt the consensus splice site. In summary, the currently available evidence indicates that the variant is pathogenic, but additional data are needed to prove that conclusively. Therefore, this variant has been classified as Likely Pathogenic.

Literature cited by the submitters: PubMed 16199547 (cited by Labcorp Genetics (formerly Invitae), Labcorp); PubMed 31575858 (cited by Labcorp Genetics (formerly Invitae), Labcorp); PubMed 38217872 (cited by Labcorp Genetics (formerly Invitae), Labcorp).

NM_020297.4(ABCC9):c.2198+1G>A

Gene: ABCC9 (ATP binding cassette subfamily C member 9; minus strand). Cytogenetic location: 12p12.1.
Variant type: single nucleotide variant.
Coding change: c.2198+1G>A on transcript NM_020297.4 (MANE Select); the canonical splice donor site of the intron after coding-DNA position 2198, G replaced by A.
Molecular consequence: splice donor variant.
Genome position (GRCh38, 1-based): chr12:21,872,624, C>T on the plus strand (G>A on the coding strand, the complement: ABCC9 is on the minus strand). VCF-style: chr12-21872624-C-T. GRCh37 (hg19) VCF-style: chr12-22025558-C-T.
Other names: c.1334+1G>A (NM_001377274.1); c.2198+1G>A (NM_005691.4, NM_001377273.1).
Identifiers: ClinVar variation 640543 (VCV000640543.8), dbSNP rs1396851699, ClinGen allele CA384132292.